The following is an entry in ClinVar:

NM_014679.5(CEP57):c.1306G>C (p.Glu436Gln)

Gene: CEP57 (centrosomal protein 57; plus strand). Cytogenetic location: 11q21.
Variant type: single nucleotide variant.
Coding change: c.1306G>C on transcript NM_014679.5 (MANE Select); coding-DNA position 1306, G replaced by C.
Protein change: p.Glu436Gln; replaces glutamic acid 436 with glutamine.
Molecular consequence: missense variant.
Genome position (GRCh38, 1-based): chr11:95,831,059, G>C. VCF-style: chr11-95831059-G-C. GRCh37 (hg19) VCF-style: chr11-95564223-G-C.
Other names: c.1279G>C, p.Glu427Gln (NM_001243776.2); c.1228G>C, p.Glu410Gln (NM_001243777.2); c.1225G>C, p.Glu409Gln (NM_001363604.2); c.1306G>C (NM_014679.4); short protein forms E410Q, E409Q, E427Q, E436Q.
Identifiers: ClinVar variation 1043974 (VCV001043974.9), dbSNP rs200955895, ClinGen allele CA6239775.

ClinVar aggregate classification (germline): Conflicting classifications of pathogenicity. Review status: criteria provided, conflicting classifications (1 of 4 stars). 4 submissions from 4 submitters: Uncertain significance (3); Likely benign (1). Last evaluated 2024-11-20.

Conditions:
Mosaic variegated aneuploidy syndrome 2 (MVA2). Identifiers: Orphanet 1052, MedGen C3279843, MONDO:0013582, OMIM 614114.
Inborn genetic diseases. Identifiers: MedGen C0950123, MeSH D030342.

Allele frequency attached by ClinVar (database versions not stated): gnomAD exomes 0.00009 and 0.00021; gnomAD 0.00014 and 0.00016; TOPMed 0.00014; ExAC 0.00021.
gnomAD v4.1: 160 of 1,613,076 alleles (0.0099%); highest among the groups gnomAD compares: Middle Eastern, 0.13%; 4 homozygotes.

Submissions (4):

Blueprint Genetics
Classification: Likely benign. Last evaluated: 2024-11-20. Review status: criteria provided, single submitter. Criteria: ACMG Guidelines, 2015. Collection method: clinical testing. Allele origin: germline.

Labcorp Genetics (formerly Invitae), Labcorp
Classification: Uncertain significance for Mosaic variegated aneuploidy syndrome 2. Last evaluated: 2024-10-30. Review status: criteria provided, single submitter. Criteria: Invitae Variant Classification Sherloc (09022015). Collection method: clinical testing. Allele origin: germline.
Comment: This sequence change replaces glutamic acid, which is acidic and polar, with glutamine, which is neutral and polar, at codon 436 of the CEP57 protein (p.Glu436Gln). This variant is present in population databases (rs200955895, gnomAD 0.1%). This variant has not been reported in the literature in individuals affected with CEP57-related conditions. ClinVar contains an entry for this variant (Variation ID: 1043974). Invitae Evidence Modeling of protein sequence and biophysical properties (such as structural, functional, and spatial information, amino acid conservation, physicochemical variation, residue mobility, and thermodynamic stability) indicates that this missense variant is not expected to disrupt CEP57 protein function with a negative predictive value of 80%. In summary, the available evidence is currently insufficient to determine the role of this variant in disease. Therefore, it has been classified as a Variant of Uncertain Significance.

Ambry Genetics
Classification: Uncertain significance for Inborn genetic diseases. Last evaluated: 2024-10-15. Review status: criteria provided, single submitter. Criteria: Ambry Variant Classification Scheme 2023. Collection method: clinical testing. Allele origin: germline.
Comment: The p.E436Q variant (also known as c.1306G>C), located in coding exon 11 of the CEP57 gene, results from a G to C substitution at nucleotide position 1306. The glutamic acid at codon 436 is replaced by glutamine, an amino acid with highly similar properties. This amino acid position is conserved. In addition, this alteration is predicted to be tolerated by in silico analysis. Based on the available evidence, the clinical significance of this variant remains unclear.

Fulgent Genetics
Classification: Uncertain significance for Mosaic variegated aneuploidy syndrome 2. Last evaluated: 2024-01-30. Review status: criteria provided, single submitter. Criteria: ACMG Guidelines, 2015. Collection method: clinical testing. Allele origin: germline.